The following is an entry in ClinVar:

ClinVar aggregate classification (germline): Likely pathogenic (1 of 4 stars; one submission).

Conditions:
Aicardi-Goutieres syndrome 2. Identifiers: Orphanet 51, MedGen C3489724, MONDO:0012429, OMIM 610181.

Submission:

Myriad Genetics, Inc.
Classification: Likely pathogenic for Aicardi-Goutieres syndrome 2. Last evaluated: 2025-10-08. Review status: criteria provided, single submitter. Criteria: Myriad Autosomal Dominant, Autosomal Recessive and X-Linked Classification Criteria (2023). Collection method: clinical testing. Allele origin: unknown.
Comment: NM_024570.3(RNASEH2B):c.699-2A>G is a variant in a canonical splice site classified as likely pathogenic in the context of Aicardi-Goutires syndrome, RNASEH2B-related. c.699-2A>G has not been observed in cases with relevant disease. Relevant functional assessments of this variant are not available in the literature. c.699-2A>G has not been observed in referenced population frequency databases. In summary, NM_024570.3(RNASEH2B):c.699-2A>G is a variant in a canonical splice site in a gene where loss of function is a known mechanism of disease and is predicted to disrupt protein function. Please note: this variant was assessed in the context of healthy population screening.

NM_024570.4(RNASEH2B):c.699-2A>G

Gene: RNASEH2B (ribonuclease H2 subunit B; plus strand). Cytogenetic location: 13q14.3.
Variant type: single nucleotide variant.
Coding change: c.699-2A>G on transcript NM_024570.4 (MANE Select); the canonical splice acceptor site of the intron before coding-DNA position 699, A replaced by G.
Molecular consequence: splice acceptor variant.
Genome position (GRCh38, 1-based): chr13:50,949,461, A>G. VCF-style: chr13-50949461-A-G. GRCh37 (hg19) VCF-style: chr13-51523597-A-G.
Other names: c.699-2A>G (NM_001142279.2, NM_001411023.1).
Identifiers: ClinVar variation 5003933 (VCV005003933.1).
Genomic context (GRCh38, chr13:50,949,461, plus strand): 5'-GTCTTTCTGTTTGTTTGTCTATGAAAAACGATGACTTTGATTGTTATTTTTAACTTTCTT[A>G]GGCTTCCAGAACCTTCAGCCTCATTGCCAAATCCTCCATCAAAGGTAAGAAGCTGTGACT-3'